The following is an entry in ClinVar:

NM_007325.5(GRIA3):c.1492G>T (p.Val498Phe)

Gene: GRIA3 (glutamate ionotropic receptor AMPA type subunit 3; plus strand). Cytogenetic location: Xq25.
Variant type: single nucleotide variant.
Coding change: c.1492G>T on transcript NM_007325.5 (MANE Select); coding-DNA position 1492, G replaced by T.
Protein change: p.Val498Phe; replaces valine 498 with phenylalanine.
Molecular consequence: missense variant.
Genome position (GRCh38, 1-based): chrX:123,404,906, G>T. VCF-style: chrX-123404906-G-T. GRCh37 (hg19) VCF-style: chrX-122538757-G-T.
Other names: c.1492G>T, p.Val498Phe (NM_000828.5); short protein forms V498F.
Identifiers: ClinVar variation 4746391 (VCV004746391.1).
Genomic context (GRCh38, chrX:123,404,906, plus strand): 5'-GGGAAATATGGTGCAAGGGATCCAGAGACTAAAATATGGAACGGCATGGTTGGGGAACTT[G>T]TCTATGGGGTGAGTTTTTTCCAATTCTGTTTTCATTTATTCTGTGCTTTCCAATTAACAA-3'
Protein context (NP_015564.5, residues 488-508): KIWNGMVGEL[Val498Phe]YGRADIAVAP

ClinVar aggregate classification (germline): Uncertain significance (1 of 4 stars; one submission).

Submission:

Labcorp Genetics (formerly Invitae), Labcorp
Classification: Uncertain significance. Last evaluated: 2025-12-13. Review status: criteria provided, single submitter. Criteria: Invitae Variant Classification Sherloc (09022015). Collection method: clinical testing. Allele origin: germline.
Comment: This sequence change replaces valine, which is neutral and non-polar, with phenylalanine, which is neutral and non-polar, at codon 498 of the GRIA3 protein (p.Val498Phe). This variant is not present in population databases (gnomAD no frequency). This variant has not been reported in the literature in individuals affected with GRIA3-related conditions. Invitae Evidence Modeling of protein sequence and biophysical properties (such as structural, functional, and spatial information, amino acid conservation, physicochemical variation, residue mobility, and thermodynamic stability) indicates that this missense variant is not expected to disrupt GRIA3 protein function with a negative predictive value of 80%. In summary, the available evidence is currently insufficient to determine the role of this variant in disease. Therefore, it has been classified as a Variant of Uncertain Significance.